The following is an entry in ClinVar:

NM_006147.4(IRF6):c.819G>C (p.Gln273His)

Gene: IRF6 (interferon regulatory factor 6; minus strand). Cytogenetic location: 1q32.2.
Variant type: single nucleotide variant.
Coding change: c.819G>C on transcript NM_006147.4 (MANE Select); coding-DNA position 819, G replaced by C.
Protein change: p.Gln273His; replaces glutamine 273 with histidine.
Molecular consequence: missense variant.
Genome position (GRCh38, 1-based): chr1:209,790,736, C>G on the plus strand (G>C on the coding strand, the complement: IRF6 is on the minus strand). VCF-style: chr1-209790736-C-G. GRCh37 (hg19) VCF-style: chr1-209964081-C-G.
Other names: c.819G>C (NM_006147.3); c.534G>C, p.Gln178His (NM_001206696.2); short protein forms Q178H, Q273H.
Identifiers: ClinVar variation 1006033 (VCV001006033.11), dbSNP rs2077864346, ClinGen allele CA344576947.

ClinVar aggregate classification (germline): Uncertain significance. Review status: criteria provided, multiple submitters, no conflicts (2 of 4 stars). 2 submissions from 2 submitters: Uncertain significance (2). Last evaluated 2025-04-05.

Conditions:
Orofacial cleft 6, susceptibility to (OFC6). Also called: CLEFT LIP WITH OR WITHOUT CLEFT PALATE, NONSYNDROMIC, 6. Identifiers: MedGen C1837213, MONDO:0012141, OMIM 608864.
Van der Woude syndrome. Identifiers: Orphanet 888, MedGen C0175697, MONDO:0019508.
Popliteal pterygium syndrome (PPS). Identifiers: Orphanet 294963, MedGen C0265259, MONDO:0017435.

Submissions (2):

GeneDx
Classification: Uncertain significance. Last evaluated: 2025-04-05. Review status: criteria provided, single submitter. Criteria: GeneDx Variant Classification Process June 2021. Collection method: clinical testing. Allele origin: germline. Affected: yes.
Comment: Not observed at significant frequency in large population cohorts (gnomAD); In silico analysis supports that this missense variant has a deleterious effect on protein structure/function; Has not been previously published as pathogenic or benign to our knowledge

Labcorp Genetics (formerly Invitae), Labcorp
Classification: Uncertain significance for Orofacial cleft 6, susceptibility to; Van der Woude syndrome; Popliteal pterygium syndrome. Last evaluated: 2020-08-06. Review status: criteria provided, single submitter. Criteria: Invitae Variant Classification Sherloc (09022015). Collection method: clinical testing. Allele origin: germline.
Comment: In summary, the available evidence is currently insufficient to determine the role of this variant in disease. Therefore, it has been classified as a Variant of Uncertain Significance. Algorithms developed to predict the effect of missense changes on protein structure and function are either unavailable or do not agree on the potential impact of this missense change (SIFT: "Deleterious"; PolyPhen-2: "Probably Damaging"; Align-GVGD: "Class C15"). This variant has been observed in individual(s) with clinical features of van der Woude syndrome (Invitae). This variant is not present in population databases (ExAC no frequency). This sequence change replaces glutamine with histidine at codon 273 of the IRF6 protein (p.Gln273His). The glutamine residue is highly conserved and there is a small physicochemical difference between glutamine and histidine.